The following is an entry in ClinVar:

ClinVar aggregate classification (germline): Uncertain significance (1 of 4 stars; one submission).

Conditions:
Inborn genetic diseases. Identifiers: MedGen C0950123, MeSH D030342.

Submission:

Ambry Genetics
Classification: Uncertain significance for Inborn genetic diseases. Last evaluated: 2025-07-07. Review status: criteria provided, single submitter. Criteria: Ambry Variant Classification Scheme 2023. Collection method: clinical testing. Allele origin: germline.
Comment: The p.A61E variant (also known as c.182C>A), located in coding exon 1 of the FANCM gene, results from a C to A substitution at nucleotide position 182. The alanine at codon 61 is replaced by glutamic acid, an amino acid with dissimilar properties. This amino acid position is conserved. In addition, this alteration is predicted to be tolerated by in silico analysis. Based on the available evidence, the clinical significance of this variant remains unclear.

NM_020937.4(FANCM):c.182C>A (p.Ala61Glu)

Gene: FANCM (FA complementation group M; plus strand). Cytogenetic location: 14q21.2.
Variant type: single nucleotide variant.
Coding change: c.182C>A on transcript NM_020937.4 (MANE Select); coding-DNA position 182, C replaced by A.
Protein change: p.Ala61Glu; replaces alanine 61 with glutamic acid.
Molecular consequence: missense variant.
Genome position (GRCh38, 1-based): chr14:45,136,213, C>A. VCF-style: chr14-45136213-C-A. GRCh37 (hg19) VCF-style: chr14-45605416-C-A.
Other names: c.182C>A, p.Ala61Glu (NM_001308133.2, NM_001308134.2); short protein forms A61E.
Identifiers: ClinVar variation 4254577 (VCV004254577.1).